The following is an entry in ClinVar:

ClinVar aggregate classification (germline): Uncertain significance (1 of 4 stars; one submission).

Conditions:
Kabuki syndrome. Also called: Kabuki make-up syndrome; NIIKAWA-KUROKI SYNDROME. Identifiers: Orphanet 2322, MedGen C0796004, MONDO:0016512.

Submission:

Labcorp Genetics (formerly Invitae), Labcorp
Classification: Uncertain significance for Kabuki syndrome. Last evaluated: 2021-04-16. Review status: criteria provided, single submitter. Criteria: Invitae Variant Classification Sherloc (09022015). Collection method: clinical testing. Allele origin: germline.
Comment: This variant is not present in population databases (ExAC no frequency). In summary, the available evidence is currently insufficient to determine the role of this variant in disease. Therefore, it has been classified as a Variant of Uncertain Significance. Advanced modeling of protein sequence and biophysical properties (such as structural, functional, and spatial information, amino acid conservation, physicochemical variation, residue mobility, and thermodynamic stability) performed at Invitae indicates that this missense variant is not expected to disrupt KMT2D protein function. This variant has not been reported in the literature in individuals with KMT2D-related conditions. This sequence change replaces aspartic acid with glutamic acid at codon 1639 of the KMT2D protein (p.Asp1639Glu). The aspartic acid residue is moderately conserved and there is a small physicochemical difference between aspartic acid and glutamic acid.

NM_003482.4(KMT2D):c.4917C>G (p.Asp1639Glu)

Gene: KMT2D (lysine methyltransferase 2D; minus strand). Cytogenetic location: 12q13.12.
Variant type: single nucleotide variant.
Coding change: c.4917C>G on transcript NM_003482.4 (MANE Select); coding-DNA position 4917, C replaced by G.
Protein change: p.Asp1639Glu; replaces aspartic acid 1639 with glutamic acid.
Molecular consequence: missense variant.
Genome position (GRCh38, 1-based): chr12:49,044,790, G>C on the plus strand (C>G on the coding strand, the complement: KMT2D is on the minus strand). VCF-style: chr12-49044790-G-C. GRCh37 (hg19) VCF-style: chr12-49438573-G-C.
Other names: short protein forms D1639E.
Identifiers: ClinVar variation 1503226 (VCV001503226.8), dbSNP rs1334223646, ClinGen allele CA384639776.
Genomic context (GRCh38, chr12:49,044,790, plus strand): 5'-TTCCCCAAGCTAACCTTCACCCTTGAGCAGCTCATCGGTGTCCAGGTCCCCATCCTTCTT[G>C]TCATCAGGGCCAAGGGCATCTGAGGGCTCAGAACCCTCCAATCCTGCCTCGCCTGGGAGG-3'
Protein context (NP_003473.3, residues 1629-1649): SEPSDALGPD[Asp1639Glu]KKDGDLDTDE